The following is an entry in ClinVar:

NM_004733.4(SLC33A1):c.98G>A (p.Gly33Asp)

Gene: SLC33A1 (solute carrier family 33 member 1; minus strand). Cytogenetic location: 3q25.31.
Variant type: single nucleotide variant.
Coding change: c.98G>A on transcript NM_004733.4 (MANE Select); coding-DNA position 98, G replaced by A.
Protein change: p.Gly33Asp; replaces glycine 33 with aspartic acid.
Molecular consequence: missense variant.
Genome position (GRCh38, 1-based): chr3:155,853,900, C>T on the plus strand (G>A on the coding strand, the complement: SLC33A1 is on the minus strand). VCF-style: chr3-155853900-C-T. GRCh37 (hg19) VCF-style: chr3-155571689-C-T.
Other names: c.98G>A, p.Gly33Asp (NM_001190992.2, NM_001363883.1); short protein forms G33D.
Identifiers: ClinVar variation 2112840 (VCV002112840.4), dbSNP rs2473020045, ClinGen allele CA355144584.
Genomic context (GRCh38, chr3:155,853,900, plus strand): 5'-AGAAGAGCTTCTCTGTCCCCTTCCCGGCCCGCTGAGTCCAAATGACTGTCATCCCAACCG[C>T]CTGGCGGCAGGGGACCGCTCTTCATATCCAGAGAGTGACTGAAATTCCCTGGCCGCCGTT-3'
Protein context (NP_004724.1, residues 23-43): LDMKSGPLPP[Gly33Asp]GWDDSHLDSA

ClinVar aggregate classification (germline): Uncertain significance (1 of 4 stars; one submission).

Conditions:
Spastic paraplegia. Identifiers: MedGen C0037772, HP:0001258.

Submission:

Labcorp Genetics (formerly Invitae), Labcorp
Classification: Uncertain significance for Spastic paraplegia. Last evaluated: 2022-05-12. Review status: criteria provided, single submitter. Criteria: Invitae Variant Classification Sherloc (09022015). Collection method: clinical testing. Allele origin: germline.
Comment: This sequence change replaces glycine, which is neutral and non-polar, with aspartic acid, which is acidic and polar, at codon 33 of the SLC33A1 protein (p.Gly33Asp). In summary, the available evidence is currently insufficient to determine the role of this variant in disease. Therefore, it has been classified as a Variant of Uncertain Significance. Algorithms developed to predict the effect of missense changes on protein structure and function output the following: SIFT: "Tolerated"; PolyPhen-2: "Benign"; Align-GVGD: "Class C0". The aspartic acid amino acid residue is found in multiple mammalian species, which suggests that this missense change does not adversely affect protein function. This variant has not been reported in the literature in individuals affected with SLC33A1-related conditions. This variant is not present in population databases (gnomAD no frequency).